The following is an entry in ClinVar:

NM_002206.3(ITGA7):c.2656G>A (p.Gly886Arg)

Gene: ITGA7 (integrin subunit alpha 7; minus strand). Cytogenetic location: 12q13.2.
Variant type: single nucleotide variant.
Coding change: c.2656G>A on transcript NM_002206.3 (MANE Select); coding-DNA position 2656, G replaced by A.
Protein change: p.Gly886Arg; replaces glycine 886 with arginine.
Molecular consequence: missense variant.
Genome position (GRCh38, 1-based): chr12:55,693,197, C>T on the plus strand (G>A on the coding strand, the complement: ITGA7 is on the minus strand). VCF-style: chr12-55693197-C-T. GRCh37 (hg19) VCF-style: chr12-56086981-C-T.
Other names: c.2668G>A, p.Gly890Arg (NM_001144996.2); c.2377G>A, p.Gly793Arg (NM_001144997.2); c.2329G>A, p.Gly777Arg (NM_001367993.1); c.1312G>A, p.Gly438Arg (NM_001367994.1); c.2638G>A, p.Gly880Arg (NM_001374465.1); c.2788G>A, p.Gly930Arg (NM_001410977.1); c.2650G>A, p.Gly884Arg (NM_001414029.1); c.2581G>A, p.Gly861Arg (NM_001414030.1); and 5 more; short protein forms G438R, G886R, G777R, G890R, G793R, G880R, G930R, G857R.
Identifiers: ClinVar variation 1465119 (VCV001465119.8), dbSNP rs764017834, ClinGen allele CA6615517.

ClinVar aggregate classification (germline): Uncertain significance (1 of 4 stars; one submission).

Conditions:
Congenital muscular dystrophy due to integrin alpha-7 deficiency. Also called: Congenital muscular dystrophy with integrin alpha-7 deficiency; Muscular dystrophy, congenital, due to ITGA7 deficiency; MYOPATHY, CONGENITAL, DUE TO INTEGRIN ALPHA-7 DEFICIENCY. Identifiers: Orphanet 34520, MedGen C2750786, MONDO:0013177, OMIM 613204.

Allele frequency attached by ClinVar (database versions not stated): TOPMed below 0.00001; gnomAD exomes 0.00001; ExAC 0.00002.
gnomAD v4.1: 13 of 1,614,062 alleles (0.00081%); highest among the groups gnomAD compares: East Asian, 0.0022%; no homozygotes.

Submission:

Labcorp Genetics (formerly Invitae), Labcorp
Classification: Uncertain significance for Congenital muscular dystrophy due to integrin alpha-7 deficiency. Last evaluated: 2025-08-18. Review status: criteria provided, single submitter. Criteria: Invitae Variant Classification Sherloc (09022015). Collection method: clinical testing. Allele origin: germline.
Comment: This sequence change replaces glycine, which is neutral and non-polar, with arginine, which is basic and polar, at codon 886 of the ITGA7 protein (p.Gly886Arg). This variant is present in population databases (rs764017834, gnomAD 0.006%). This variant has not been reported in the literature in individuals affected with ITGA7-related conditions. ClinVar contains an entry for this variant (Variation ID: 1465119). An algorithm developed to predict the effect of missense changes on protein structure and function (PolyPhen-2) suggests that this variant is likely to be tolerated. In summary, the available evidence is currently insufficient to determine the role of this variant in disease. Therefore, it has been classified as a Variant of Uncertain Significance.